The following is an entry in ClinVar:

ClinVar aggregate classification (germline): Uncertain significance (0 of 4 stars; one submission).

Submission:

Department of Pathology and Laboratory Medicine, Sinai Health System
Classification: Uncertain significance. Review status: no assertion criteria provided. Collection method: clinical testing. Allele origin: unknown. Affected: yes. Study: The Canadian Open Genetics Repository (COGR).
Comment: The MVD p.Ala352Gly variant was not identified in the literature nor was it identified in dbSNP, ClinVar or LOVD 3.0. The variant was not identified in the following control databases: the 1000 Genomes Project, the NHLBI GO Exome Sequencing Project, the Exome Aggregation Consortium (August 8th 2016), or the Genome Aggregation Database (March 6, 2019, v2.1.1).The p.Ala352 residue is not conserved in mammals and computational analyses (PolyPhen-2, SIFT, AlignGVGD, BLOSUM, MutationTaster) do not suggest a high likelihood of impact to the protein; however, this information is not predictive enough to rule out pathogenicity. The variant occurs outside of the splicing consensus sequence however four of four in silico or computational prediction software programs (SpliceSiteFinder, MaxEntScan, NNSPLICE, GeneSplicer) predict a greater than 10% difference in splicing and the creation of a new 5' splice site. However, this prediction has not been confirmed by RNA analysis and is not predictive enough to assume pathogenicity. In summary, based on the above information the clinical significance of this variant cannot be determined with certainty at this time. This variant is classified as a variant of uncertain significance.

NM_002461.3(MVD):c.1055C>G (p.Ala352Gly)

Gene: MVD (mevalonate diphosphate decarboxylase; minus strand). Cytogenetic location: 16q24.2.
Variant type: single nucleotide variant.
Coding change: c.1055C>G on transcript NM_002461.3 (MANE Select); coding-DNA position 1055, C replaced by G.
Protein change: p.Ala352Gly; replaces alanine 352 with glycine.
Molecular consequence: missense variant.
Genome position (GRCh38, 1-based): chr16:88,653,367, G>C on the plus strand (C>G on the coding strand, the complement: MVD is on the minus strand). VCF-style: chr16-88653367-G-C. GRCh37 (hg19) VCF-style: chr16-88719775-G-C.
Other names: short protein forms A352G.
Identifiers: ClinVar variation 1050507 (VCV001050507.1), dbSNP rs2142891225, ClinGen allele CA397069371.
Genomic context (GRCh38, chr16:88,653,367, plus strand): 5'-ACAATGATGTATTTGACCCCACCGGGGGTCGGCTCCATGGCCAGCGCAGCCTGAAGCTCA[G>C]CTGAGAGAGGGGCCGGCCTCACCTGCAGCCCCTTCAGAAACCTGGAAAAGCAGGGCAGGG-3'
Protein context (NP_002452.1, residues 342-362): GLQVRPAPLS[Ala352Gly]ELQAALAMEP